The following is an entry in ClinVar:

ClinVar aggregate classification (germline): Benign. Review status: criteria provided, multiple submitters, no conflicts (2 of 4 stars). 4 submissions from 4 submitters: Benign (4). Last evaluated 2026-02-02.

Conditions:
Joubert syndrome 21 (JBTS21). Identifiers: MedGen C3810212, MONDO:0014288, OMIM 615636.

Allele frequency attached by ClinVar (database versions not stated): TOPMed 0.01559; 1000 Genomes Project 30x 0.02904; gnomAD exomes 0.01188 and 0.02228; ESP Exome Variant Server 0.01442; 1000 Genomes Project 0.03075; gnomAD 0.02204 and 0.02236; ExAC 0.02169.
gnomAD v4.1: 20,918 of 1,610,886 alleles (1.3%); highest among the groups gnomAD compares: South Asian, 4.3%; 510 homozygotes.

Submissions (4):

Labcorp Genetics (formerly Invitae), Labcorp
Classification: Benign for Joubert syndrome 21. Last evaluated: 2026-02-02. Review status: criteria provided, single submitter. Criteria: Invitae Variant Classification Sherloc (09022015). Collection method: clinical testing. Allele origin: germline.

Mayo Clinic Laboratories, Mayo Clinic
Classification: Benign. Last evaluated: 2023-04-03. Review status: criteria provided, single submitter. Criteria: ACMG Guidelines, 2015. Collection method: clinical testing. Allele origin: germline. Observed: 2 variant alleles.

GeneDx
Classification: Benign. Last evaluated: 2016-05-02. Review status: criteria provided, single submitter. Criteria: GeneDx Variant Classification (06012015). Collection method: clinical testing. Allele origin: germline. Affected: yes.
Comment: This variant is considered likely benign or benign based on one or more of the following criteria: it is a conservative change, it occurs at a poorly conserved position in the protein, it is predicted to be benign by multiple in silico algorithms, and/or has population frequency not consistent with disease.

Breakthrough Genomics
Classification: Benign. Review status: criteria provided, single submitter. Criteria: ACMG Guidelines, 2015. Collection method: not provided. Allele origin: germline. Inheritance: Autosomal recessive inheritance. Affected: yes.

NM_001382391.1(CSPP1):c.3313T>C (p.Trp1105Arg)

Genes: ARFGEF1 (ARF guanine nucleotide exchange factor 1; minus strand), CSPP1 (centrosome and spindle pole associated protein 1; plus strand). Cytogenetic location: 8q13.2.
Variant type: single nucleotide variant.
Coding change: c.3313T>C on transcript NM_001382391.1 (MANE Select); coding-DNA position 3313, T replaced by C.
Protein change: p.Trp1105Arg; replaces tryptophan 1105 with arginine.
Molecular consequence: missense variant. On other transcripts: intron variant (2).
Genome position (GRCh38, 1-based): chr8:67,190,742, T>C. VCF-style: chr8-67190742-T-C. GRCh37 (hg19) VCF-style: chr8-68102977-T-C.
Other names: p.Trp1100Arg; c.2263T>C, p.Trp755Arg (NM_001291339.2); c.3232T>C, p.Trp1078Arg (NM_001363131.2); c.3118T>C, p.Trp1040Arg (NM_001363132.2); c.3037T>C, p.Trp1013Arg (NM_001363133.2); c.3379T>C, p.Trp1127Arg (NM_001364869.1); c.3199T>C, p.Trp1067Arg (NM_001364870.1); c.3145T>C, p.Trp1049Arg (NM_001438330.1); and 4 more; short protein forms W1100R, W1040R, W1127R, W755R, W1013R, W1067R, W1078R, W1105R.
Identifiers: ClinVar variation 379419 (VCV000379419.11), dbSNP rs1808140, ClinGen allele CA4771127.